The following is an entry in ClinVar:

NM_003640.5(ELP1):c.2515A>G (p.Ile839Val)

Gene: ELP1 (elongator acetyltransferase complex subunit 1; minus strand). Cytogenetic location: 9q31.3.
Variant type: single nucleotide variant.
Coding change: c.2515A>G on transcript NM_003640.5 (MANE Select); coding-DNA position 2515, A replaced by G.
Protein change: p.Ile839Val; replaces isoleucine 839 with valine.
Molecular consequence: missense variant.
Genome position (GRCh38, 1-based): chr9:108,897,025, T>C on the plus strand (A>G on the coding strand, the complement: ELP1 is on the minus strand). VCF-style: chr9-108897025-T-C. GRCh37 (hg19) VCF-style: chr9-111659305-T-C.
Other names: c.2173A>G, p.Ile725Val (NM_001318360.2); c.1468A>G, p.Ile490Val (NM_001330749.2); c.2515A>G (NM_003640.3); short protein forms I490V, I725V, I839V.
Identifiers: ClinVar variation 989531 (VCV000989531.8), dbSNP rs779097269, ClinGen allele CA5174613.

ClinVar aggregate classification (germline): Uncertain significance. Review status: criteria provided, multiple submitters, no conflicts (2 of 4 stars). 4 submissions from 4 submitters: Uncertain significance (3). 1 of the submissions does not count toward it. Last evaluated 2025-08-02.

Conditions:
Familial dysautonomia. Also called: FD; HSAN III. Identifiers: Orphanet 1764, MedGen C0013364, MONDO:0009131, OMIM 223900. Disease mechanism: loss of function.
Medulloblastoma (MDB). Also called: MEDULLOBLASTOMA PREDISPOSITION SYNDROME; Medulloblastoma, somatic. Identifiers: Orphanet 616, MedGen C0025149, MeSH D008527, MONDO:0007959, OMIM 155255, HP:0002885.

Allele frequency attached by ClinVar (database versions not stated): ExAC 0.00001; gnomAD exomes 0.00001.
gnomAD v4.1: 4 of 1,614,030 alleles (0.00025%); highest among the groups gnomAD compares: Non-Finnish European, 0.00034%; no homozygotes.

Submissions (4):

Ambry Genetics
Classification: Uncertain significance. Last evaluated: 2025-08-02. Review status: criteria provided, single submitter. Criteria: Ambry Variant Classification Scheme 2023. Collection method: clinical testing. Allele origin: germline.

Fulgent Genetics
Classification: Uncertain significance for Medulloblastoma; Familial dysautonomia. Last evaluated: 2024-03-24. Review status: criteria provided, single submitter. Criteria: ACMG Guidelines, 2015. Collection method: clinical testing. Allele origin: germline.

Labcorp Genetics (formerly Invitae), Labcorp
Classification: Uncertain significance. Last evaluated: 2021-08-30. Review status: criteria provided, single submitter. Criteria: Invitae Variant Classification Sherloc (09022015). Collection method: clinical testing. Allele origin: germline.
Comment: This sequence change replaces isoleucine with valine at codon 839 of the ELP1 protein (p.Ile839Val). The isoleucine residue is highly conserved and there is a small physicochemical difference between isoleucine and valine. This variant is present in population databases (rs779097269, ExAC 0.001%). This variant has not been reported in the literature in individuals affected with ELP1-related conditions. Algorithms developed to predict the effect of missense changes on protein structure and function are either unavailable or do not agree on the potential impact of this missense change (SIFT: "Tolerated"; PolyPhen-2: "Possibly Damaging"; Align-GVGD: "Class C15"). In summary, the available evidence is currently insufficient to determine the role of this variant in disease. Therefore, it has been classified as a Variant of Uncertain Significance.

Natera, Inc.
Classification: Uncertain significance for Familial dysautonomia. Last evaluated: 2020-08-13. Review status: no assertion criteria provided. Collection method: clinical testing. Allele origin: germline. Not counted in ClinVar's aggregate classification.